The following is an entry in ClinVar:

ClinVar aggregate classification (germline): Likely benign. Review status: criteria provided, multiple submitters, no conflicts (2 of 4 stars). 3 submissions from 3 submitters: Likely benign (3). Last evaluated 2026-09-10.

Conditions:
CPS1-related disorder. Also called: CPS1-related condition.
Congenital hyperammonemia, type I. Also called: CPS I DEFICIENCY; Carbamoyl phosphate synthetase 1 deficiency; Hyperammonemia due to carbamoyl phosphate synthetase 1 deficiency; CPS 1 deficiency; Carbamyl phosphate synthetase (CPS) deficiency; Carbamoyl phosphate synthetase I deficiency disease. Identifiers: Orphanet 147, MedGen C4082171, MONDO:0009376, OMIM 237300.

Allele frequency attached by ClinVar (database versions not stated): ExAC 0.00002; gnomAD 0.00003 and 0.00004; gnomAD exomes 0.00004 and 0.00021; TOPMed 0.00006; ESP Exome Variant Server 0.00008.
gnomAD v4.1: 309 of 1,612,300 alleles (0.019%); highest among the groups gnomAD compares: Non-Finnish European, 0.026%; no homozygotes.

Submissions (3):

PreventionGenetics, part of Exact Sciences
Classification: Likely benign for CPS1-related condition. Last evaluated: 2026-09-10. Review status: criteria provided, single submitter. Criteria: ACMG Guidelines, 2015. Collection method: clinical testing. Allele origin: germline.
Comment: This variant is classified as likely benign based on ACMG/AMP sequence variant interpretation guidelines (Richards et al. 2015 PMID: 25741868, with internal and published modifications).

Labcorp Genetics (formerly Invitae), Labcorp
Classification: Likely benign for Congenital hyperammonemia, type I. Last evaluated: 2025-05-30. Review status: criteria provided, single submitter. Criteria: Invitae Variant Classification Sherloc (09022015). Collection method: clinical testing. Allele origin: germline.

GeneDx
Classification: Likely benign. Last evaluated: 2016-09-15. Review status: criteria provided, single submitter. Criteria: GeneDx Variant Classification (06012015). Collection method: clinical testing. Allele origin: germline. Affected: yes.
Comment: This variant is considered likely benign or benign based on one or more of the following criteria: it is a conservative change, it occurs at a poorly conserved position in the protein, it is predicted to be benign by multiple in silico algorithms, and/or has population frequency not consistent with disease.

NM_001875.5(CPS1):c.1131C>T (p.His377=)

Gene: CPS1 (carbamoyl-phosphate synthase 1; plus strand). Cytogenetic location: 2q34.
Variant type: single nucleotide variant.
Coding change: c.1131C>T on transcript NM_001875.5 (MANE Select); coding-DNA position 1131, C replaced by T.
Protein change: p.His377=; no amino-acid change (histidine 377 retained).
Molecular consequence: synonymous variant. On other transcripts: non-coding transcript variant (1).
Genome position (GRCh38, 1-based): chr2:210,592,923, C>T. VCF-style: chr2-210592923-C-T. GRCh37 (hg19) VCF-style: chr2-211457647-C-T.
Other names: c.1131C>T (LRG_336t1); c.1131C>T, p.His377= (NM_001122633.3, NM_001369257.1); c.1164C>T, p.His388= (NM_001369256.1).
Identifiers: ClinVar variation 389021 (VCV000389021.10), dbSNP rs372421311, ClinGen allele CA2086263.